The following is an entry in ClinVar:

ClinVar aggregate classification (germline): Likely benign. Review status: criteria provided, multiple submitters, no conflicts (2 of 4 stars). 2 submissions from 2 submitters: Likely benign (2). Last evaluated 2026-08-01.

Allele frequency attached by ClinVar (database versions not stated): ExAC 0.00041; TOPMed 0.00041; gnomAD 0.00060.
gnomAD v4.1: 954 of 1,536,202 alleles (0.062%); highest among the groups gnomAD compares: Non-Finnish European, 0.067%; 1 homozygote.

Submissions (2):

CeGaT Center for Human Genetics Tuebingen
Classification: Likely benign. Last evaluated: 2026-08-01. Review status: criteria provided, single submitter. Criteria: CeGaT Center For Human Genetics Tuebingen Variant Classification Criteria Version 2. Collection method: clinical testing. Allele origin: germline. Affected: yes. Observed: 3 variant alleles.
Comment: ZFHX2: BP4, BP7

Blueprint Genetics
Classification: Likely benign. Last evaluated: 2024-10-18. Review status: criteria provided, single submitter. Criteria: ACMG Guidelines, 2015. Collection method: clinical testing. Allele origin: germline.

NM_033400.3(ZFHX2):c.3555C>T (p.Leu1185=)

Genes: THTPA (thiamine triphosphatase; plus strand), ZFHX2 (zinc finger homeobox 2; minus strand). Cytogenetic location: 14q11.2.
Variant type: single nucleotide variant.
Coding change: c.3555C>T on transcript NM_033400.3 (MANE Select); coding-DNA position 3555, C replaced by T.
Protein change: p.Leu1185=; no amino-acid change (leucine 1185 retained).
Molecular consequence: synonymous variant.
Genome position (GRCh38, 1-based): chr14:23,526,387, G>A on the plus strand (C>T on the coding strand, the complement: ZFHX2 is on the minus strand). VCF-style: chr14-23526387-G-A. GRCh37 (hg19) VCF-style: chr14-23995596-G-A.
Identifiers: ClinVar variation 3024862 (VCV003024862.23), dbSNP rs769952919, ClinGen allele CA7116976.